The following is an entry in ClinVar:

NM_002439.5(MSH3):c.930_931del (p.Glu311fs)

Genes: MSH3 (mutS homolog 3; plus strand), LOC126807437 (MED14-independent group 3 enhancer GRCh37_chr5:79968379-79969578; plus strand). Cytogenetic location: 5q14.1.
Variant type: Deletion.
Coding change: c.930_931del on transcript NM_002439.5 (MANE Select); coding-DNA positions 930 to 931, 2 bases deleted (TG; older notation c.930_931delTG).
Protein change: p.Glu311fs; shifts the reading frame from glutamic acid 311.
Molecular consequence: frameshift variant.
Genome position (GRCh38, 1-based): chr5:80,672,761-80,672,762, TG deleted. VCF-style (leftmost placement, unchanged base first): chr5-80672760-CTG-C. GRCh37 (hg19) VCF-style: chr5-79968579-CTG-C.
Other names: short protein forms E311fs.
Identifiers: ClinVar variation 2673532 (VCV002673532.1), dbSNP rs2546722848, ClinGen allele CA2695198650.

ClinVar aggregate classification (germline): Pathogenic (1 of 4 stars; one submission).

Conditions:
Familial adenomatous polyposis 4 (FAP4). Also called: MSH3-related attenuated familial adenomatous polyposis. Identifiers: Orphanet 480536, MedGen C4310719, MONDO:0044300, OMIM 617100.

Submission:

Myriad Genetics, Inc.
Classification: Pathogenic for Familial adenomatous polyposis 4. Last evaluated: 2023-08-29. Review status: criteria provided, single submitter. Criteria: Myriad Autosomal Dominant, Autosomal Recessive and X-Linked Classification Criteria (2023). Collection method: clinical testing. Allele origin: unknown.
Comment: This variant is considered pathogenic. This variant creates a frameshift predicted to result in premature protein truncation.